The following is an entry in ClinVar:

NM_007259.5(VPS45):c.30C>G (p.Tyr10Ter)

Gene: VPS45 (vacuolar protein sorting 45 homolog; plus strand). Cytogenetic location: 1q21.2.
Variant type: single nucleotide variant.
Coding change: c.30C>G on transcript NM_007259.5 (MANE Select); coding-DNA position 30, C replaced by G.
Protein change: p.Tyr10Ter; replaces tyrosine 10 with a stop codon.
Molecular consequence: nonsense. On other transcripts: 5 prime UTR variant (1), non-coding transcript variant (1), intron variant (1).
Genome position (GRCh38, 1-based): chr1:150,067,887, C>G. VCF-style: chr1-150067887-C-G. GRCh37 (hg19) VCF-style: chr1-150039944-C-G.
Other names: c.-99C>G (NM_001279354.2); c.-16+281C>G (NM_001279353.2); short protein forms Y10*.
Identifiers: ClinVar variation 4063279 (VCV004063279.2).

ClinVar aggregate classification (germline): Likely pathogenic (1 of 4 stars; one submission).

Conditions:
Congenital neutropenia-myelofibrosis-nephromegaly syndrome. Also called: Severe congenital neutropenia 5, autosomal recessive. Identifiers: Orphanet 369852, MedGen C3809031, MONDO:0014118, OMIM 615285.

Submission:

Natera, Inc.
Classification: Likely pathogenic for Autosomal recessive severe congenital neutropenia 5. Last evaluated: 2025-05-26. Review status: criteria provided, single submitter. Criteria: Natera Variant Classification Schema (03/2026). Collection method: clinical testing. Allele origin: germline.
Comment: The c.30C>G variant in VPS45 is a nonsense variant predicted to introduce a stop codon at amino acid 10. This variant is expected to result in nonsense mediated decay, truncation, or a dysfunctional protein product. This variant is rare in the general population with a frequency below the threshold expected for the associated phenotype(s). Given the available evidence, this variant is classified as Likely Pathogenic.